The following is an entry in ClinVar:

ClinVar aggregate classification (germline): Uncertain significance. Review status: criteria provided, multiple submitters, no conflicts (2 of 4 stars). 2 submissions from 2 submitters: Uncertain significance (2). Last evaluated 2026-01-20.

Allele frequency attached by ClinVar (database versions not stated): gnomAD exomes 0.00001.
gnomAD v4.1: 3 of 1,613,106 alleles (0.00019%); highest among the groups gnomAD compares: East Asian, 0.0067%; no homozygotes.

Submissions (2):

Labcorp Genetics (formerly Invitae), Labcorp
Classification: Uncertain significance. Last evaluated: 2026-01-20. Review status: criteria provided, single submitter. Criteria: Invitae Variant Classification Sherloc (09022015). Collection method: clinical testing. Allele origin: germline.
Comment: This sequence change replaces histidine, which is basic and polar, with tyrosine, which is neutral and polar, at codon 549 of the RNF43 protein (p.His549Tyr). This variant is present in population databases (no rsID available, gnomAD 0.02%). This variant has not been reported in the literature in individuals affected with RNF43-related conditions. ClinVar contains an entry for this variant (Variation ID: 1351605). An algorithm developed to predict the effect of missense changes on protein structure and function (PolyPhen-2) suggests that this variant is likely to be disruptive. In summary, the available evidence is currently insufficient to determine the role of this variant in disease. Therefore, it has been classified as a Variant of Uncertain Significance.

Ambry Genetics
Classification: Uncertain significance. Last evaluated: 2025-04-07. Review status: criteria provided, single submitter. Criteria: Ambry Variant Classification Scheme 2023. Collection method: clinical testing. Allele origin: germline.
Comment: The p.H549Y variant (also known as c.1645C>T), located in coding exon 8 of the RNF43 gene, results from a C to T substitution at nucleotide position 1645. The histidine at codon 549 is replaced by tyrosine, an amino acid with similar properties. This amino acid position is highly conserved in available vertebrate species. In addition, this alteration is predicted to be tolerated by in silico analysis. The evidence for this gene-disease relationship is limited; therefore, the clinical significance of this alteration is unclear.

NM_017763.6(RNF43):c.1645C>T (p.His549Tyr)

Gene: RNF43 (ring finger protein 43; minus strand). Cytogenetic location: 17q22.
Variant type: single nucleotide variant.
Coding change: c.1645C>T on transcript NM_017763.6 (MANE Select); coding-DNA position 1645, C replaced by T.
Protein change: p.His549Tyr; replaces histidine 549 with tyrosine.
Molecular consequence: missense variant.
Genome position (GRCh38, 1-based): chr17:58,358,131, G>A on the plus strand (C>T on the coding strand, the complement: RNF43 is on the minus strand). VCF-style: chr17-58358131-G-A. GRCh37 (hg19) VCF-style: chr17-56435492-G-A.
Other names: c.1645C>T, p.His549Tyr (NM_001305544.3); c.1264C>T, p.His422Tyr (NM_001305545.2); short protein forms H549Y, H422Y.
Identifiers: ClinVar variation 1351605 (VCV001351605.9), dbSNP rs1428642923, ClinGen allele CA400328995.
Genomic context (GRCh38, chr17:58,358,131, plus strand): 5'-GCTTCCTGCCATGCCACTGGAACCGCTTTTTGTAGTGGTGGTGCCGGTGGCGGTGGTAGT[G>A]GACATGGCTGGAAACCTGGGTTTCCCCTGTGGGCACCACCGAGTCCAAGGAACGAGGCCG-3'
Protein context (NP_060233.3, residues 539-559): TGETQVSSHV[His549Tyr]YHRHRHHHYK